The following is an entry in ClinVar:

ClinVar aggregate classification (germline): Uncertain significance. Review status: criteria provided, multiple submitters, no conflicts (2 of 4 stars). 2 submissions from 2 submitters: Uncertain significance (2). Last evaluated 2025-05-30.

Conditions:
Dilated cardiomyopathy 1DD (CMD1DD). Identifiers: Orphanet 154, MedGen C2750995, MONDO:0013168, OMIM 613172.

Allele frequency attached by ClinVar (database versions not stated): TOPMed below 0.00001.

Submissions (2):

GeneDx
Classification: Uncertain significance. Last evaluated: 2025-05-30. Review status: criteria provided, single submitter. Criteria: GeneDx Variant Classification Process June 2021. Collection method: clinical testing. Allele origin: germline. Affected: yes.
Comment: Not observed at significant frequency in large population cohorts (gnomAD); In silico analysis suggests that this missense variant does not alter protein structure/function; Has not been previously published as pathogenic or benign to our knowledge

Labcorp Genetics (formerly Invitae), Labcorp
Classification: Uncertain significance for Dilated cardiomyopathy 1DD. Last evaluated: 2024-01-08. Review status: criteria provided, single submitter. Criteria: Invitae Variant Classification Sherloc (09022015). Collection method: clinical testing. Allele origin: germline.
Comment: This sequence change replaces glutamic acid, which is acidic and polar, with aspartic acid, which is acidic and polar, at codon 918 of the RBM20 protein (p.Glu918Asp). This variant is not present in population databases (gnomAD no frequency). This variant has not been reported in the literature in individuals affected with RBM20-related conditions. ClinVar contains an entry for this variant (Variation ID: 2173419). Advanced modeling of protein sequence and biophysical properties (such as structural, functional, and spatial information, amino acid conservation, physicochemical variation, residue mobility, and thermodynamic stability) performed at Invitae indicates that this missense variant is not expected to disrupt RBM20 protein function with a negative predictive value of 95%. In summary, the available evidence is currently insufficient to determine the role of this variant in disease. Therefore, it has been classified as a Variant of Uncertain Significance.

NM_001134363.3(RBM20):c.2754A>C (p.Glu918Asp)

Gene: RBM20 (RNA binding motif protein 20; plus strand). Cytogenetic location: 10q25.2.
Variant type: single nucleotide variant.
Coding change: c.2754A>C on transcript NM_001134363.3 (MANE Select); coding-DNA position 2754, A replaced by C.
Protein change: p.Glu918Asp; replaces glutamic acid 918 with aspartic acid.
Molecular consequence: missense variant.
Genome position (GRCh38, 1-based): chr10:110,821,373, A>C. VCF-style: chr10-110821373-A-C. GRCh37 (hg19) VCF-style: chr10-112581131-A-C.
Other names: short protein forms E918D.
Identifiers: ClinVar variation 2173419 (VCV002173419.4), dbSNP rs892012024, ClinGen allele CA378377485.
Genomic context (GRCh38, chr10:110,821,373, plus strand): 5'-GAGCTGGTATCCCACTAACATGGAGGAGCTGGTGACAGTGGACGAGGTTGGGGAAGAAGA[A>C]GATTTTATCGTGGAACCAGACATCCCAGAGCTGGAAGAAATTGTGCCCATTGACCAGAAA-3'
Protein context (NP_001127835.2, residues 908-928): LVTVDEVGEE[Glu918Asp]DFIVEPDIPE